The following is an entry in ClinVar:

ClinVar aggregate classification (germline): Uncertain significance. Review status: criteria provided, multiple submitters, no conflicts (2 of 4 stars). 6 submissions from 3 submitters: Uncertain significance (6). Last evaluated 2023-04-11.

Conditions:
Congenital myopathy 18. Also called: DIHYDROPYRIDINE RECEPTOR CONGENITAL MYOPATHY; DHPR CONGENITAL MYOPATHY; Myopathy, congenital, due to dihydropyridine receptor defect. Identifiers: MedGen C5830283, MONDO:0859514, OMIM 620246.
Malignant hyperthermia, susceptibility to, 5 (MHS5). Also called: CACNA1S-Related Malignant Hyperthermia Susceptibility. Identifiers: Orphanet 423, MedGen C1866077, MONDO:0011163, OMIM 601887.
Hypokalemic periodic paralysis, type 1. Also called: HypoPP; Hypokalemic Periodic Paralysis Type 1 (AD). Identifiers: Orphanet 681, MedGen C3714580, MONDO:0042979, OMIM 170400.
Thyrotoxic periodic paralysis, susceptibility to, 1 (TTPP1). Identifiers: Orphanet 79102, MedGen C2749982, MONDO:0008570, OMIM 188580.

Submissions (6):

Genome-Nilou Lab
Classification: Uncertain significance for Malignant hyperthermia, susceptibility to, 5. Last evaluated: 2023-04-11. Review status: criteria provided, single submitter. Criteria: ACMG Guidelines, 2015. Collection method: clinical testing. Allele origin: germline. Affected: no.

Genome-Nilou Lab
Classification: Uncertain significance for Thyrotoxic periodic paralysis, susceptibility to, 1. Last evaluated: 2023-04-11. Review status: criteria provided, single submitter. Criteria: ACMG Guidelines, 2015. Collection method: clinical testing. Allele origin: germline. Affected: no.

Genome-Nilou Lab
Classification: Uncertain significance for Congenital myopathy 18. Last evaluated: 2023-04-11. Review status: criteria provided, single submitter. Criteria: ACMG Guidelines, 2015. Collection method: clinical testing. Allele origin: germline. Affected: no.

Genome-Nilou Lab
Classification: Uncertain significance for Hypokalemic periodic paralysis, type 1. Last evaluated: 2023-04-11. Review status: criteria provided, single submitter. Criteria: ACMG Guidelines, 2015. Collection method: clinical testing. Allele origin: germline. Affected: no.

Labcorp Genetics (formerly Invitae), Labcorp
Classification: Uncertain significance for Hypokalemic periodic paralysis, type 1; Malignant hyperthermia, susceptibility to, 5. Last evaluated: 2022-01-14. Review status: criteria provided, single submitter. Criteria: Invitae Variant Classification Sherloc (09022015). Collection method: clinical testing. Allele origin: germline.
Comment: This sequence change affects codon 1414 of the CACNA1S mRNA. It is a 'silent' change, meaning that it does not change the encoded amino acid sequence of the CACNA1S protein. It affects a nucleotide within the consensus splice site. This variant is not present in population databases (gnomAD no frequency). This variant has not been reported in the literature in individuals affected with CACNA1S-related conditions. ClinVar contains an entry for this variant (Variation ID: 473994). Algorithms developed to predict the effect of sequence changes on RNA splicing suggest that this variant is not likely to affect RNA splicing. In summary, the available evidence is currently insufficient to determine the role of this variant in disease. Therefore, it has been classified as a Variant of Uncertain Significance.

Fulgent Genetics
Classification: Uncertain significance for Hypokalemic periodic paralysis, type 1; Thyrotoxic periodic paralysis, susceptibility to, 1; Malignant hyperthermia, susceptibility to, 5. Last evaluated: 2022-01-12. Review status: criteria provided, single submitter. Criteria: ACMG Guidelines, 2015. Collection method: clinical testing. Allele origin: unknown.

NM_000069.3(CACNA1S):c.4242G>A (p.Lys1414=)

Gene: CACNA1S (calcium voltage-gated channel subunit alpha1 S; minus strand). Cytogenetic location: 1q32.1.
Variant type: single nucleotide variant.
Coding change: c.4242G>A on transcript NM_000069.3 (MANE Select); coding-DNA position 4242, G replaced by A.
Protein change: p.Lys1414=; no amino-acid change (lysine 1414 retained).
Molecular consequence: synonymous variant.
Genome position (GRCh38, 1-based): chr1:201,049,099, C>T on the plus strand (G>A on the coding strand, the complement: CACNA1S is on the minus strand). VCF-style: chr1-201049099-C-T. GRCh37 (hg19) VCF-style: chr1-201018227-C-T.
Identifiers: ClinVar variation 473994 (VCV000473994.9), dbSNP rs769933784, ClinGen allele CA422718963.